The following is an entry in ClinVar:

ClinVar aggregate classification (germline): Pathogenic. Review status: criteria provided, multiple submitters, no conflicts (2 of 4 stars). 5 submissions from 5 submitters: Pathogenic (4). 1 of the submissions does not count toward it. Last evaluated 2025-11-19.

Conditions:
COL7A1-related disorder. Also called: COL7A1-related condition; COL7A1- related disorders.
Recessive dystrophic epidermolysis bullosa (RDEB). Also called: Epidermolysis Bullosa Distrophica Autosomal Recessive (RDEB); EPIDERMOLYSIS BULLOSA DYSTROPHICA, GENERALIZED SEVERE, AUTOSOMAL RECESSIVE; DYSTROPHIC EPIDERMOLYSIS BULLOSA, AUTOSOMAL RECESSIVE; EPIDERMOLYSIS BULLOSA DYSTROPHICA, HALLOPEAU-SIEMENS TYPE; severe generalized recessive dystrophic epidermolysis bullosa; epidermolysis bullosa dystrophica, autosomal recessive. Identifiers: Orphanet 79408, Orphanet 79409, MedGen C0079474, MONDO:0009179, OMIM 226600.
Epidermolysis bullosa dystrophica inversa, autosomal recessive. Identifiers: MedGen C2673612.

Allele frequency attached by ClinVar (database versions not stated): TOPMed below 0.00001; gnomAD 0.00001; gnomAD exomes 0.00002.
gnomAD v4.1: 19 of 1,576,158 alleles (0.0012%); highest among the groups gnomAD compares: East Asian, 0.0046%; no homozygotes.

Submissions (5):

GeneDx
Classification: Pathogenic. Last evaluated: 2025-11-19. Review status: criteria provided, single submitter. Criteria: GeneDx Variant Classification Process June 2021. Collection method: clinical testing. Allele origin: germline. Affected: yes.
Comment: Reported previously in the homozygous state or in combination with another COL7A1 variant in several individuals with dystrophic epidermolysis bullosa referred for genetic testing at GeneDx and in the published literature (PMID: 8592061, 9326325, 16484981, 18440202); Functional studies demonstrate that G2575R is associated with decreased disulfide bonding between collagen VII monomers to form the trimer mature collagen VII fibers, and that it affects the formation of heterotypic trimers more than homotypic ones (PMID: 18450758, 15509587); Located in the highly conserved Gly-X-Y repeat of the collagenous domain; Glycine substitution variants in this region of the COLVII protein destabilize the collagen triple helix resulting in skin fragility due to poor anchoring of the basement membrane to the underlying dermis (PMID: 20301481); In silico analysis supports that this missense variant has a deleterious effect on protein structure/function; This variant is associated with the following publications: (PMID: 18558993, 9326325, 37556444, 21448560, 8592061, 15509587, 18450758, 8644729, 16484981, 12813757, 18440202, 36287101, 33274474, 20301481)

Labcorp Genetics (formerly Invitae), Labcorp
Classification: Pathogenic. Last evaluated: 2025-04-28. Review status: criteria provided, single submitter. Criteria: Invitae Variant Classification Sherloc (09022015). Collection method: clinical testing. Allele origin: germline.
Comment: This sequence change replaces glycine, which is neutral and non-polar, with arginine, which is basic and polar, at codon 2575 of the COL7A1 protein (p.Gly2575Arg). The frequency data for this variant in the population databases is considered unreliable, as metrics indicate poor data quality at this position in the gnomAD database. This missense change has been observed in individual(s) with dystrophic epidermolysis bullosa (PMID: 8592061, 16971478). In at least one individual the data is consistent with being in trans (on the opposite chromosome) from a pathogenic variant. ClinVar contains an entry for this variant (Variation ID: 265078). Invitae Evidence Modeling of protein sequence and biophysical properties (such as structural, functional, and spatial information, amino acid conservation, physicochemical variation, residue mobility, and thermodynamic stability) indicates that this missense variant is expected to disrupt COL7A1 protein function with a positive predictive value of 80%. Experimental studies have shown that this missense change affects COL7A1 function (PMID: 18450758). This variant disrupts the triple helix domain of COL7A1. Glycine residues within the Gly-Xaa-Yaa repeats of the triple helix domain are required for the structure and stability of fibrillar collagens (PMID: 7695699, 8218237, 19344236), and variants at these glycine residues in COL7A1 are more frequently observed in individuals with disease than in the general population (PMID: 22058051). However, the clinical significance of this observation remains uncertain since only a limited number of affected individuals have been described to date. For these reasons, this variant has been classified as Pathogenic.

Women's Health and Genetics/Laboratory Corporation of America, LabCorp
Classification: Pathogenic for COL7A1-Related Disorders. Last evaluated: 2023-05-02. Review status: criteria provided, single submitter. Criteria: LabCorp Variant Classification Summary - May 2015. Collection method: clinical testing. Allele origin: germline.
Comment: Variant summary: COL7A1 c.7723G>A (p.Gly2575Arg) results in a non-conservative amino acid change located in the first fibronectin type III repeat domain (IPR003961) of the encoded protein sequence. Five of five in-silico tools predict a damaging effect of the variant on protein function. The variant allele was found at a frequency of 2.1e-05 in 191218 control chromosomes (gnomAD). The available data on variant occurrences in the general population are insufficient to allow any conclusion about variant significance. c.7723G>A has been reported in the literature in homozygous and compound heterozygous individuals affected with Dystrophic Epidermolysis Bullosa, Recessive (e.g., Shimizu_1996, Hovnanian_1997, Kern_2006, Almaani_2011, Matsumura_2018, Chiaverini_2014). These data indicate that the variant is very likely to be associated with disease. Several publications reported experimental evidence evaluating an impact on protein function, finding that the variant alters intermolecular interactions, thus affecting type VII collagen homotrimer processing and assembly (e.g., Brittingham_2005, Woodley_2008, Matsumura_2018). The following publications have been ascertained in the context of this evaluation (PMID: 21448560, 15509587, 24252097, 9326325, 16484981, 29229433, 8592061, 18450758). Three clinical diagnostic laboratories have submitted clinical-significance assessments for this variant to ClinVar after 2014, and all laboratories classified the variant as pathogenic. Based on the evidence outlined above, the variant was classified as pathogenic.

Neuberg Centre For Genomic Medicine, NCGM
Classification: Pathogenic for Recessive dystrophic epidermolysis bullosa. Review status: criteria provided, single submitter. Criteria: ACMG Guidelines, 2015. Collection method: clinical testing. Allele origin: germline. Affected: yes.
Comment: The missense variant p.G2575R in COL7A1 (NM_000094.4) has been previously reported in affected patients (Kern et al, 2006).Functional studies suggest a damaging effect (Brittingham et al 2005). The variant has been submitted to ClinVar as Pathogenic. The p.G2575R variant is observed in 3/80,562 (0.0037%) alleles from individuals of European (Non-Finnish) background in gnomAD Exomes and is novel (not in any individuals) in 1000 Genomes. The p.G2575R missense variant is predicted to be damaging by both SIFT and PolyPhen2. The glycine residue at codon 2575 of COL7A1 is conserved in all mammalian species. The nucleotide c.7723 in COL7A1 is predicted conserved by GERP++ and PhyloP across 100 vertebrates. For these reasons, this variant has been classified as Pathogenic.

Natera, Inc.
Classification: Pathogenic for Autosomal recessive epidermolysis bullosa dystrophica inversa. Last evaluated: 2020-09-16. Review status: no assertion criteria provided. Collection method: clinical testing. Allele origin: germline. Not counted in ClinVar's aggregate classification.

Literature cited by the submitters: PubMed 8592061 (cited by Labcorp Genetics (formerly Invitae), Labcorp and Women's Health and Genetics/Laboratory Corporation of America, LabCorp); PubMed 16971478 (cited by Labcorp Genetics (formerly Invitae), Labcorp); PubMed 18450758 (cited by Labcorp Genetics (formerly Invitae), Labcorp and Women's Health and Genetics/Laboratory Corporation of America, LabCorp); PubMed 7695699 (cited by Labcorp Genetics (formerly Invitae), Labcorp); PubMed 8218237 (cited by Labcorp Genetics (formerly Invitae), Labcorp); PubMed 19344236 (cited by Labcorp Genetics (formerly Invitae), Labcorp); PubMed 22058051 (cited by Labcorp Genetics (formerly Invitae), Labcorp); PubMed 21448560 (cited by Women's Health and Genetics/Laboratory Corporation of America, LabCorp); PubMed 16484981 (cited by Women's Health and Genetics/Laboratory Corporation of America, LabCorp); PubMed 15509587 (cited by Women's Health and Genetics/Laboratory Corporation of America, LabCorp); PubMed 24252097 (cited by Women's Health and Genetics/Laboratory Corporation of America, LabCorp); PubMed 9326325 (cited by Women's Health and Genetics/Laboratory Corporation of America, LabCorp); PubMed 29229433 (cited by Women's Health and Genetics/Laboratory Corporation of America, LabCorp).

NM_000094.4(COL7A1):c.7723G>A (p.Gly2575Arg)

Gene: COL7A1 (collagen type VII alpha 1 chain; minus strand). Cytogenetic location: 3p21.31.
Variant type: single nucleotide variant.
Coding change: c.7723G>A on transcript NM_000094.4 (MANE Select); coding-DNA position 7723, G replaced by A.
Protein change: p.Gly2575Arg; replaces glycine 2575 with arginine.
Molecular consequence: missense variant.
Genome position (GRCh38, 1-based): chr3:48,568,819, C>T on the plus strand (G>A on the coding strand, the complement: COL7A1 is on the minus strand). VCF-style: chr3-48568819-C-T. GRCh37 (hg19) VCF-style: chr3-48606252-C-T.
Other names: short protein forms G2575R.
Identifiers: ClinVar variation 265078 (VCV000265078.12), dbSNP rs760891216, ClinGen allele CA10588366.
Genomic context (GRCh38, chr3:48,568,819, plus strand): 5'-GGCCTGGGCCTGGGGCAGAACTTGCCTGGGGTCCCAGGAGTCCACGCAGTCCTGGCAACC[C>T]GGCTGAGCCCTTGTCACCAGGCTCTCCCTTGCTGCCCTGTGGGAGTGACCAGGAGAGGGA-3'
Protein context (NP_000085.1, residues 2565-2585): KGEPGDKGSA[Gly2575Arg]LPGLRGLLGP